The following is an entry in ClinVar:

ClinVar aggregate classification (germline): Uncertain significance (1 of 4 stars; one submission).

gnomAD v4.1: 1 of 1,393,722 alleles (0.000072%); highest among the groups gnomAD compares: Non-Finnish European, 0.000094%; no homozygotes.

Submission:

CeGaT Center for Human Genetics Tuebingen
Classification: Uncertain significance. Last evaluated: 2024-08-01. Review status: criteria provided, single submitter. Criteria: CeGaT Center For Human Genetics Tuebingen Variant Classification Criteria Version 2. Collection method: clinical testing. Allele origin: germline. Affected: yes. Observed: 1 variant allele.
Comment: ARID1B: PM2

NM_001374828.1(ARID1B):c.1190G>A (p.Gly397Asp)

Gene: ARID1B (AT-rich interaction domain 1B; plus strand). Cytogenetic location: 6q25.3.
Variant type: single nucleotide variant.
Coding change: c.1190G>A on transcript NM_001374828.1 (MANE Select); coding-DNA position 1190, G replaced by A.
Protein change: p.Gly397Asp; replaces glycine 397 with aspartic acid.
Molecular consequence: missense variant.
Genome position (GRCh38, 1-based): chr6:156,778,870, G>A. VCF-style: chr6-156778870-G-A. GRCh37 (hg19) VCF-style: chr6-157100004-G-A.
Other names: c.1190G>A, p.Gly397Asp (NM_001371656.1, NM_001374820.1, NM_017519.3); short protein forms G397D.
Identifiers: ClinVar variation 3341980 (VCV003341980.16).
Genomic context (GRCh38, chr6:156,778,870, plus strand): 5'-AGTGCAACCATTATCCGGGCTACAGCCGGCCCGGCGCGGGCGGCGGCGGCGGCGGCGGCG[G>A]CGGAGGAGGAGGAGGCAGCGGAGGAGGAGGAGGAGGAGGAGGAGCAGGAGCAGGAGGAGC-3'
Protein context (NP_001361757.1, residues 387-407): PGAGGGGGGG[Gly397Asp]GGGGGSGGGG